The following is an entry in ClinVar:

NM_000116.5(TAFAZZIN):c.179C>T (p.Ala60Val)

Gene: TAFAZZIN (tafazzin, phospholipid-lysophospholipid transacylase; plus strand). Cytogenetic location: Xq28.
Variant type: single nucleotide variant.
Coding change: c.179C>T on transcript NM_000116.5 (MANE Select); coding-DNA position 179, C replaced by T.
Protein change: p.Ala60Val; replaces alanine 60 with valine.
Molecular consequence: missense variant. On other transcripts: non-coding transcript variant (1).
Genome position (GRCh38, 1-based): chrX:154,412,155, C>T. VCF-style: chrX-154412155-C-T. GRCh37 (hg19) VCF-style: chrX-153640492-C-T.
Other names: c.233C>T, p.Ala78Val (NM_001303465.2, NM_001410698.1); c.179C>T, p.Ala60Val (NM_181311.4, NM_181312.4, NM_181313.4); short protein forms A60V, A78V.
Identifiers: ClinVar variation 2046380 (VCV002046380.4), dbSNP rs2522924499, ClinGen allele CA415179795.

ClinVar aggregate classification (germline): Uncertain significance (1 of 4 stars; one submission).

Conditions:
3-Methylglutaconic aciduria type 2 (BTHS). Also called: Barth syndrome; CARDIOSKELETAL MYOPATHY WITH NEUTROPENIA AND ABNORMAL MITOCHONDRIA. Identifiers: Orphanet 111, MedGen C0574083, MONDO:0010543, OMIM 302060.

Allele frequency attached by ClinVar (database versions not stated): gnomAD exomes below 0.00001.

Submission:

Labcorp Genetics (formerly Invitae), Labcorp
Classification: Uncertain significance for 3-Methylglutaconic aciduria type 2. Last evaluated: 2021-12-18. Review status: criteria provided, single submitter. Criteria: Invitae Variant Classification Sherloc (09022015). Collection method: clinical testing. Allele origin: germline.
Comment: In summary, the available evidence is currently insufficient to determine the role of this variant in disease. Therefore, it has been classified as a Variant of Uncertain Significance. Algorithms developed to predict the effect of missense changes on protein structure and function are either unavailable or do not agree on the potential impact of this missense change (SIFT: "Not Available"; PolyPhen-2: "Benign"; Align-GVGD: "Not Available"). This variant has not been reported in the literature in individuals affected with TAZ-related conditions. This variant is not present in population databases (gnomAD no frequency). This sequence change replaces alanine, which is neutral and non-polar, with valine, which is neutral and non-polar, at codon 60 of the TAZ protein (p.Ala60Val).